The following is an entry in ClinVar:

ClinVar aggregate classification (germline): Pathogenic. Review status: reviewed by expert panel (3 of 4 stars). 2 submissions from 2 submitters: Pathogenic (1). 1 of the submissions does not count toward it. Last evaluated 2016-09-08.

Conditions:
Breast-ovarian cancer, familial, susceptibility to, 2 (BROVCA2). Also called: BRCA2 Hereditary Breast and Ovarian Cancer. Identifiers: Orphanet 145, MedGen C2675520, MONDO:0012933, OMIM 612555. Disease mechanism: loss of function.

Submissions (2):

Evidence-based Network for the Interpretation of Germline Mutant Alleles (ENIGMA)
Classification: Pathogenic for Breast-ovarian cancer, familial, susceptibility to, 2. Last evaluated: 2016-09-08. Review status: reviewed by expert panel. Criteria: ENIGMA BRCA1/2 Classification Criteria (2015). Collection method: curation. Allele origin: germline.
Comment: Variant allele predicted to encode a truncated non-functional protein.

Breast Cancer Information Core (BIC) (BRCA2)
Classification: Pathogenic for Breast-ovarian cancer, familial 2. Last evaluated: 2004-03-30. Review status: no assertion criteria provided. Collection method: clinical testing. Allele origin: germline. Affected: yes. Observed: 1 variant allele. Not counted in ClinVar's aggregate classification.

NM_000059.4(BRCA2):c.9066_9067insAA (p.Ala3023fs)

Gene: BRCA2 (BRCA2 DNA repair associated; plus strand). Cytogenetic location: 13q13.1.
Variant type: Insertion.
Coding change: c.9066_9067insAA on transcript NM_000059.4 (MANE Select); coding-DNA positions 9066 to 9067, AA inserted.
Protein change: p.Ala3023fs; shifts the reading frame from alanine 3023.
Molecular consequence: frameshift variant.
Genome position: GRCh38 VCF-style: chr13-32379861-G-GAA. GRCh37 (hg19) VCF-style: chr13-32953998-G-GAA.
Other names: 9294insAA; short protein forms A3023fs.
Identifiers: ClinVar variation 126198 (VCV000126198.2), dbSNP rs80359745, ClinGen allele CA025956.